The following is an entry in ClinVar:

NM_001854.4(COL11A1):c.484G>A (p.Gly162Arg)

Gene: COL11A1 (collagen type XI alpha 1 chain; minus strand). Cytogenetic location: 1p21.1.
Variant type: single nucleotide variant.
Coding change: c.484G>A on transcript NM_001854.4 (MANE Select); coding-DNA position 484, G replaced by A.
Protein change: p.Gly162Arg; replaces glycine 162 with arginine.
Molecular consequence: missense variant. On other transcripts: non-coding transcript variant (1).
Genome position (GRCh38, 1-based): chr1:103,078,662, C>T on the plus strand (G>A on the coding strand, the complement: COL11A1 is on the minus strand). VCF-style: chr1-103078662-C-T. GRCh37 (hg19) VCF-style: chr1-103544218-C-T.
Other names: c.484G>A, p.Gly162Arg (NM_001190709.2, NM_080629.3, NM_080630.4); c.484G>A (NM_001854.3); short protein forms G162R.
Identifiers: ClinVar variation 1297617 (VCV001297617.9), dbSNP rs1672165764, ClinGen allele CA341167541.

ClinVar aggregate classification (germline): Uncertain significance. Review status: criteria provided, multiple submitters, no conflicts (2 of 4 stars). 6 submissions from 6 submitters: Uncertain significance (3). 3 of the submissions do not count toward it. Last evaluated 2026-03-04.

Conditions:
COL11A1-related disorder. Also called: COL11A1-related condition; COL11A1-related disorders.

Allele frequency attached by ClinVar (database versions not stated): gnomAD exomes below 0.00001; TOPMed 0.00001.
gnomAD v4.1: 2 of 1,612,684 alleles (0.00012%); highest among the groups gnomAD compares: South Asian, 0.0011%; no homozygotes.

Submissions (6):

GeneDx
Classification: Uncertain significance. Last evaluated: 2026-03-04. Review status: criteria provided, single submitter. Criteria: GeneDx Variant Classification Process June 2021. Collection method: clinical testing. Allele origin: germline.
Comment: Not observed at significant frequency in large population cohorts (gnomAD); In silico analysis supports that this missense variant has a deleterious effect on protein structure/function; Not located in the triple helical region, where the majority of pathogenic missense variants occur (HGMD; PMID: 25240749); Has not been previously published as pathogenic or benign to our knowledge; This variant is associated with the following publications: (PMID: 25240749)

Labcorp Genetics (formerly Invitae), Labcorp
Classification: Uncertain significance. Last evaluated: 2024-10-16. Review status: criteria provided, single submitter. Criteria: Invitae Variant Classification Sherloc (09022015). Collection method: clinical testing. Allele origin: germline.
Comment: This sequence change replaces glycine, which is neutral and non-polar, with arginine, which is basic and polar, at codon 162 of the COL11A1 protein (p.Gly162Arg). This variant is not present in population databases (gnomAD no frequency). This variant has not been reported in the literature in individuals affected with COL11A1-related conditions. ClinVar contains an entry for this variant (Variation ID: 1297617). Invitae Evidence Modeling of protein sequence and biophysical properties (such as structural, functional, and spatial information, amino acid conservation, physicochemical variation, residue mobility, and thermodynamic stability) indicates that this missense variant is expected to disrupt COL11A1 protein function with a positive predictive value of 95%. In summary, the available evidence is currently insufficient to determine the role of this variant in disease. Therefore, it has been classified as a Variant of Uncertain Significance.

Blueprint Genetics
Classification: Uncertain significance. Last evaluated: 2022-07-14. Review status: criteria provided, single submitter. Criteria: ACMG Guidelines, 2015. Collection method: clinical testing. Allele origin: germline.

PreventionGenetics, part of Exact Sciences
Classification: Uncertain significance for COL11A1-related condition. Last evaluated: 2024-02-06. Review status: no assertion criteria provided. Collection method: clinical testing. Allele origin: germline. Not counted in ClinVar's aggregate classification.
Comment: The COL11A1 c.484G>A variant is predicted to result in the amino acid substitution p.Gly162Arg. To our knowledge, this variant has not been reported in the literature or in a large population database, indicating this variant is rare. At this time, the clinical significance of this variant is uncertain due to the absence of conclusive functional and genetic evidence.

Clinical Genetics DNA and cytogenetics Diagnostics Lab, Erasmus MC, Erasmus Medical Center
Classification: Likely pathogenic. Review status: no assertion criteria provided. Collection method: clinical testing. Allele origin: germline. Affected: yes. Study: VKGL Data-share Consensus. Not counted in ClinVar's aggregate classification.

Joint Genome Diagnostic Labs from Nijmegen and Maastricht, Radboudumc and MUMC+
Classification: Pathogenic. Review status: no assertion criteria provided. Collection method: clinical testing. Allele origin: germline. Affected: yes. Study: VKGL Data-share Consensus. Not counted in ClinVar's aggregate classification.